The following is an entry in ClinVar:

ClinVar aggregate classification (germline): Pathogenic (1 of 4 stars; one submission).

Conditions:
Autosomal recessive polycystic kidney disease (ARPKD). Also called: AR polycystic kidney disease. Identifiers: Orphanet 731, Orphanet 8378, MedGen C0085548, MeSH D017044, MONDO:0009889.

Submission:

Labcorp Genetics (formerly Invitae), Labcorp
Classification: Pathogenic for Autosomal recessive polycystic kidney disease. Last evaluated: 2021-06-03. Review status: criteria provided, single submitter. Criteria: Invitae Variant Classification Sherloc (09022015). Collection method: clinical testing. Allele origin: germline.
Comment: This sequence change creates a premature translational stop signal (p.Cys1774*) in the PKHD1 gene. It is expected to result in an absent or disrupted protein product. Loss-of-function variants in PKHD1 are known to be pathogenic (PMID: 19940839). This variant is not present in population databases (ExAC no frequency). This variant has not been reported in the literature in individuals with PKHD1-related conditions. For these reasons, this variant has been classified as Pathogenic.

Literature cited by the submitters: PubMed 19940839.

NM_138694.4(PKHD1):c.5322C>A (p.Cys1774Ter)

Gene: PKHD1 (PKHD1 ciliary IPT domain containing fibrocystin/polyductin; minus strand). Cytogenetic location: 6p12.2.
Variant type: single nucleotide variant.
Coding change: c.5322C>A on transcript NM_138694.4 (MANE Select); coding-DNA position 5322, C replaced by A.
Protein change: p.Cys1774Ter; replaces cysteine 1774 with a stop codon.
Molecular consequence: nonsense.
Genome position (GRCh38, 1-based): chr6:52,022,859, G>T on the plus strand (C>A on the coding strand, the complement: PKHD1 is on the minus strand). VCF-style: chr6-52022859-G-T. GRCh37 (hg19) VCF-style: chr6-51887657-G-T.
Other names: c.5322C>A, p.Cys1774Ter (NM_170724.3); short protein forms C1774*.
Identifiers: ClinVar variation 1434669 (VCV001434669.6), dbSNP rs2128138552, ClinGen allele CA364427610.
Genomic context (GRCh38, chr6:52,022,859, plus strand): 5'-ACCATCCAGGGGCAGAACCAAGCAGCTGAAGGCAGACACTGTAGCATTAGCCAGGACTCG[G>T]CAGGGAGCACCACACACAGCAGCTGAGACATTCCCTGGAGAAAATCCCGCTCCAAACACA-3'